The following is an entry in ClinVar:

NM_005012.4(ROR1):c.1202A>G (p.Lys401Arg)

Gene: ROR1 (receptor tyrosine kinase like orphan receptor 1; plus strand). Cytogenetic location: 1p31.3.
Variant type: single nucleotide variant.
Coding change: c.1202A>G on transcript NM_005012.4 (MANE Select); coding-DNA position 1202, A replaced by G.
Protein change: p.Lys401Arg; replaces lysine 401 with arginine.
Molecular consequence: missense variant.
Genome position (GRCh38, 1-based): chr1:64,159,008, A>G. VCF-style: chr1-64159008-A-G. GRCh37 (hg19) VCF-style: chr1-64624691-A-G.
Other names: short protein forms K401R.
Identifiers: ClinVar variation 1899126 (VCV001899126.5), dbSNP rs1033617119, ClinGen allele CA23872464.

ClinVar aggregate classification (germline): Uncertain significance (1 of 4 stars; one submission).

Allele frequency attached by ClinVar (database versions not stated): TOPMed below 0.00001.

Submission:

Labcorp Genetics (formerly Invitae), Labcorp
Classification: Uncertain significance. Last evaluated: 2022-02-25. Review status: criteria provided, single submitter. Criteria: Invitae Variant Classification Sherloc (09022015). Collection method: clinical testing. Allele origin: germline.
Comment: In summary, the available evidence is currently insufficient to determine the role of this variant in disease. Therefore, it has been classified as a Variant of Uncertain Significance. Algorithms developed to predict the effect of missense changes on protein structure and function (SIFT, PolyPhen-2, Align-GVGD) all suggest that this variant is likely to be tolerated. This variant has not been reported in the literature in individuals affected with ROR1-related conditions. This variant is not present in population databases (gnomAD no frequency). This sequence change replaces lysine, which is basic and polar, with arginine, which is basic and polar, at codon 401 of the ROR1 protein (p.Lys401Arg).